The following is an entry in ClinVar:

ClinVar aggregate classification (germline): Conflicting classifications of pathogenicity. Review status: criteria provided, conflicting classifications (1 of 4 stars). 5 submissions from 5 submitters: Uncertain significance (4); Likely benign (1). Last evaluated 2026-01-26.

Conditions:
Muscle AMP deaminase deficiency (MMDD). Also called: ADENOSINE MONOPHOSPHATE DEAMINASE-1 DEFICIENCY, MYOPATHY DUE TO; Myoadenylate deaminase deficiency, myopathy due to; Adenosine monophosphate deaminase 1 deficiency; AMP deaminase 1 deficiency; Adenosine Monophosphate Deaminase 1; AMPD1 DEFICIENCY. Identifiers: Orphanet 45, MedGen C3714933, MONDO:0014220, OMIM 615511.

Allele frequency attached by ClinVar (database versions not stated): 1000 Genomes Project 0.00040; TOPMed 0.00042; ExAC 0.00050; gnomAD exomes 0.00062 and 0.00081; ESP Exome Variant Server 0.00069; gnomAD 0.00070; 1000 Genomes Project 30x 0.00078.
gnomAD v4.1: 1,279 of 1,614,002 alleles (0.079%); highest among the groups gnomAD compares: Non-Finnish European, 0.082%; 1 homozygote.

Submissions (5):

Labcorp Genetics (formerly Invitae), Labcorp
Classification: Likely benign for Muscle AMP deaminase deficiency. Last evaluated: 2026-01-26. Review status: criteria provided, single submitter. Criteria: Invitae Variant Classification Sherloc (09022015). Collection method: clinical testing. Allele origin: germline.

Women's Health and Genetics/Laboratory Corporation of America, LabCorp
Classification: Uncertain significance. Last evaluated: 2024-07-12. Review status: criteria provided, single submitter. Criteria: LabCorp Variant Classification Summary - May 2015. Collection method: clinical testing. Allele origin: germline.
Comment: Variant summary: AMPD1 c.1721G>A (p.Gly574Glu) results in a non-conservative amino acid change in the encoded protein sequence. Five of five in-silico tools predict a damaging effect of the variant on protein function. The variant allele was found at a frequency of 0.00062 in 251450 control chromosomes in the gnomAD database, including 1 homozygote. This frequency is not significantly higher than estimated for a pathogenic variant in AMPD1 causing Muscle AMP Deaminase Deficiency, allowing no conclusion about variant significance. To our knowledge, no occurrence of c.1721G>A in individuals affected with Muscle AMP Deaminase Deficiency and no experimental evidence demonstrating its impact on protein function have been reported. ClinVar contains an entry for this variant (Variation ID: 286655). Based on the evidence outlined above, the variant was classified as uncertain significance.

Revvity Omics, Revvity
Classification: Uncertain significance for Muscle AMP deaminase deficiency. Last evaluated: 2019-08-09. Review status: criteria provided, single submitter. Criteria: ACMG Guidelines, 2015. Collection method: clinical testing. Allele origin: germline.

GeneDx
Classification: Uncertain significance. Last evaluated: 2016-08-31. Review status: criteria provided, single submitter. Criteria: GeneDx Variant Classification (06012015). Collection method: clinical testing. Allele origin: germline. Affected: yes.
Comment: The G607E variant in the AMPD1 gene has not been reported previously as a pathogenic variant, nor as a benign variant, to our knowledge. The G607E variant was not observed at any significant frequency in approximately 6,500 individuals of European and African American ancestry in the NHLBI Exome Sequencing Project, indicating it is not a common benign variant in these populations. The G607E variant is a non-conservative amino acid substitution, which is likely to impact secondary protein structure as these residues differ in polarity, charge, size and/or other properties. This substitution occurs at a position that is conserved across species. In silico analysis predicts this variant is probably damaging to the protein structure/function. We interpret G607E as a variant of uncertain significance.

Eurofins Ntd Llc (ga)
Classification: Uncertain significance. Last evaluated: 2016-03-30. Review status: criteria provided, single submitter. Criteria: EGL Classification Definitions 2015. Collection method: clinical testing. Allele origin: germline. Observed: 2 variant alleles, 2 heterozygotes.

NM_000036.3(AMPD1):c.1721G>A (p.Gly574Glu)

Gene: AMPD1 (adenosine monophosphate deaminase 1; minus strand). Cytogenetic location: 1p13.2.
Variant type: single nucleotide variant.
Coding change: c.1721G>A on transcript NM_000036.3 (MANE Select); coding-DNA position 1721, G replaced by A.
Protein change: p.Gly574Glu; replaces glycine 574 with glutamic acid.
Molecular consequence: missense variant.
Genome position (GRCh38, 1-based): chr1:114,674,831, C>T on the plus strand (G>A on the coding strand, the complement: AMPD1 is on the minus strand). VCF-style: chr1-114674831-C-T. GRCh37 (hg19) VCF-style: chr1-115217452-C-T.
Other names: c.1709G>A, p.Gly570Glu (NM_001172626.2); short protein forms G607E, G570E, G574E.
Identifiers: ClinVar variation 286655 (VCV000286655.20), dbSNP rs150645738, ClinGen allele CA1020032.